The following is an entry in ClinVar:

NM_022124.6(CDH23):c.9059G>A (p.Arg3020His)

Gene: CDH23 (cadherin related 23; plus strand). Cytogenetic location: 10q22.1.
Variant type: single nucleotide variant.
Coding change: c.9059G>A on transcript NM_022124.6 (MANE Select); coding-DNA position 9059, G replaced by A.
Protein change: p.Arg3020His; replaces arginine 3020 with histidine.
Molecular consequence: missense variant.
Genome position (GRCh38, 1-based): chr10:71,810,551, G>A. VCF-style: chr10-71810551-G-A. GRCh37 (hg19) VCF-style: chr10-73570308-G-A.
Other names: c.9059G>A (NM_022124.5); c.2339G>A, p.Arg780His (NM_001171933.1, NM_001171934.1); short protein forms R3020H, R780H.
Identifiers: ClinVar variation 1479916 (VCV001479916.5), dbSNP rs767052814, ClinGen allele CA5546849.
Genomic context (GRCh38, chr10:71,810,551, plus strand): 5'-GCCGGGTGAACTTTGCGCAGACAGAACTGCTTATCCACGTGGTGAACCGCGATACCAACC[G>A]CATCCTGGACGTGGACCGGTGAGTCGGGGCCTGTGTTTGGACTGTCAGCCTGTCTGTCTG-3'
Protein context (NP_071407.4, residues 3010-3030): LIHVVNRDTN[Arg3020His]ILDVDRVIQM

ClinVar aggregate classification (germline): Uncertain significance. Review status: criteria provided, multiple submitters, no conflicts (2 of 4 stars). 2 submissions from 2 submitters: Uncertain significance (2). Last evaluated 2025-09-05.

Allele frequency attached by ClinVar (database versions not stated): ExAC 0.00001; gnomAD exomes 0.00002; gnomAD 0.00003 and 0.00004.
gnomAD v4.1: 35 of 1,613,706 alleles (0.0022%); highest among the groups gnomAD compares: Middle Eastern, 0.016%; no homozygotes.

Submissions (2):

Labcorp Genetics (formerly Invitae), Labcorp
Classification: Uncertain significance. Last evaluated: 2025-09-05. Review status: criteria provided, single submitter. Criteria: Invitae Variant Classification Sherloc (09022015). Collection method: clinical testing. Allele origin: germline.
Comment: This sequence change replaces arginine, which is basic and polar, with histidine, which is basic and polar, at codon 3020 of the CDH23 protein (p.Arg3020His). This variant is present in population databases (rs767052814, gnomAD 0.01%). This variant has not been reported in the literature in individuals affected with CDH23-related conditions. ClinVar contains an entry for this variant (Variation ID: 1479916). An algorithm developed to predict the effect of missense changes on protein structure and function outputs the following: PolyPhen-2: "Not Available". The histidine amino acid residue is found in multiple mammalian species, which suggests that this missense change does not adversely affect protein function. In summary, the available evidence is currently insufficient to determine the role of this variant in disease. Therefore, it has been classified as a Variant of Uncertain Significance.

GeneDx
Classification: Uncertain significance. Last evaluated: 2025-03-11. Review status: criteria provided, single submitter. Criteria: GeneDx Variant Classification Process June 2021. Collection method: clinical testing. Allele origin: germline. Affected: yes.
Comment: In silico analysis indicates that this missense variant does not alter protein structure/function; Has not been previously published as pathogenic or benign to our knowledge